The following is an entry in ClinVar:

NM_000890.5(KCNJ5):c.341T>C (p.Ile114Thr)

Gene: KCNJ5 (potassium inwardly rectifying channel subfamily J member 5; plus strand). Cytogenetic location: 11q24.3.
Variant type: single nucleotide variant.
Coding change: c.341T>C on transcript NM_000890.5 (MANE Select); coding-DNA position 341, T replaced by C.
Protein change: p.Ile114Thr; replaces isoleucine 114 with threonine.
Molecular consequence: missense variant.
Genome position (GRCh38, 1-based): chr11:128,911,614, T>C. VCF-style: chr11-128911614-T-C. GRCh37 (hg19) VCF-style: chr11-128781509-T-C.
Other names: c.341T>C, p.Ile114Thr (NM_001354169.2); short protein forms I114T.
Identifiers: ClinVar variation 3624463 (VCV003624463.2).

ClinVar aggregate classification (germline): Uncertain significance (1 of 4 stars; one submission).

Conditions:
Long QT syndrome (LQTS). Identifiers: MedGen C0023976, MeSH D008133, MONDO:0002442. Disease mechanism: loss of function. Inheritance: Various modes of inheritance.

gnomAD v4.1: 6 of 1,614,234 alleles (0.00037%); highest among the groups gnomAD compares: Non-Finnish European, 0.00034%; no homozygotes.

Submission:

Labcorp Genetics (formerly Invitae), Labcorp
Classification: Uncertain significance for Long QT syndrome. Last evaluated: 2024-08-28. Review status: criteria provided, single submitter. Criteria: Invitae Variant Classification Sherloc (09022015). Collection method: clinical testing. Allele origin: germline.
Comment: This sequence change replaces isoleucine, which is neutral and non-polar, with threonine, which is neutral and polar, at codon 114 of the KCNJ5 protein (p.Ile114Thr). This variant is not present in population databases (gnomAD no frequency). This variant has not been reported in the literature in individuals affected with KCNJ5-related conditions. Invitae Evidence Modeling of protein sequence and biophysical properties (such as structural, functional, and spatial information, amino acid conservation, physicochemical variation, residue mobility, and thermodynamic stability) indicates that this missense variant is not expected to disrupt KCNJ5 protein function with a negative predictive value of 80%. In summary, the available evidence is currently insufficient to determine the role of this variant in disease. Therefore, it has been classified as a Variant of Uncertain Significance.